The following is an entry in ClinVar:

ClinVar aggregate classification (germline): Uncertain significance (1 of 4 stars; one submission).

Allele frequency attached by ClinVar (database versions not stated): gnomAD exomes below 0.00001.
gnomAD v4.1: 1 of 1,556,406 alleles (0.000064%); highest among the groups gnomAD compares: Non-Finnish European, 0.000087%; no homozygotes.

Submission:

Labcorp Genetics (formerly Invitae), Labcorp
Classification: Uncertain significance. Last evaluated: 2024-02-19. Review status: criteria provided, single submitter. Criteria: Invitae Variant Classification Sherloc (09022015). Collection method: clinical testing. Allele origin: germline.
Comment: This sequence change replaces histidine, which is basic and polar, with tyrosine, which is neutral and polar, at codon 11 of the RAI1 protein (p.His11Tyr). This variant is not present in population databases (gnomAD no frequency). This variant has not been reported in the literature in individuals affected with RAI1-related conditions. ClinVar contains an entry for this variant (Variation ID: 1499006). Advanced modeling of protein sequence and biophysical properties (such as structural, functional, and spatial information, amino acid conservation, physicochemical variation, residue mobility, and thermodynamic stability) performed at Invitae indicates that this missense variant is expected to disrupt RAI1 protein function with a positive predictive value of 80%. In summary, the available evidence is currently insufficient to determine the role of this variant in disease. Therefore, it has been classified as a Variant of Uncertain Significance.

NM_030665.4(RAI1):c.31C>T (p.His11Tyr)

Gene: RAI1 (retinoic acid induced 1; plus strand). Cytogenetic location: 17p11.2.
Variant type: single nucleotide variant.
Coding change: c.31C>T on transcript NM_030665.4 (MANE Select); coding-DNA position 31, C replaced by T.
Protein change: p.His11Tyr; replaces histidine 11 with tyrosine.
Molecular consequence: missense variant.
Genome position (GRCh38, 1-based): chr17:17,792,979, C>T. VCF-style: chr17-17792979-C-T. GRCh37 (hg19) VCF-style: chr17-17696293-C-T.
Other names: short protein forms H11Y.
Identifiers: ClinVar variation 1499006 (VCV001499006.6), dbSNP rs2143001441, ClinGen allele CA398544601.